The following is an entry in ClinVar:

ClinVar aggregate classification (germline): Likely benign. Review status: criteria provided, multiple submitters, no conflicts (2 of 4 stars). 3 submissions from 3 submitters: Likely benign (3). Last evaluated 2025-04-01.

Conditions:
Inborn genetic diseases. Identifiers: MedGen C0950123, MeSH D030342.

gnomAD v4.1: 1 of 1,614,012 alleles (0.000062%); highest among the groups gnomAD compares: Middle Eastern, 0.017%; no homozygotes.

Submissions (3):

CeGaT Center for Human Genetics Tuebingen
Classification: Likely benign. Last evaluated: 2025-04-01. Review status: criteria provided, single submitter. Criteria: CeGaT Center For Human Genetics Tuebingen Variant Classification Criteria Version 2. Collection method: clinical testing. Allele origin: germline. Affected: yes. Observed: 1 variant allele.
Comment: ATR: BP4, BP7

Labcorp Genetics (formerly Invitae), Labcorp
Classification: Likely benign. Last evaluated: 2024-11-10. Review status: criteria provided, single submitter. Criteria: Invitae Variant Classification Sherloc (09022015). Collection method: clinical testing. Allele origin: germline.

Ambry Genetics
Classification: Likely benign for Inborn genetic diseases. Last evaluated: 2023-12-19. Review status: criteria provided, single submitter. Criteria: Ambry Variant Classification Scheme 2023. Collection method: clinical testing. Allele origin: germline.

NM_001184.4(ATR):c.1503T>C (p.Ala501=)

Gene: ATR (ATR checkpoint kinase; minus strand). Cytogenetic location: 3q23.
Variant type: single nucleotide variant.
Coding change: c.1503T>C on transcript NM_001184.4 (MANE Select); coding-DNA position 1503, T replaced by C.
Protein change: p.Ala501=; no amino-acid change (alanine 501 retained).
Molecular consequence: synonymous variant. On other transcripts: intron variant (1).
Genome position (GRCh38, 1-based): chr3:142,560,301, A>G on the plus strand (T>C on the coding strand, the complement: ATR is on the minus strand). VCF-style: chr3-142560301-A-G. GRCh37 (hg19) VCF-style: chr3-142279143-A-G.
Other names: c.1350-860T>C (NM_001354579.2).
Identifiers: ClinVar variation 3221051 (VCV003221051.10), dbSNP rs747926818, ClinGen allele CA436129904.